The following is an entry in ClinVar:

ClinVar aggregate classification (germline): Uncertain significance (1 of 4 stars; one submission).

Conditions:
Hypercholesterolemia, autosomal dominant, 3 (FHCL3). Also called: Familial Hypercholesterolemia, Autosomal Dominant, 3; PCSK9-Related Familial Hypercholesterolemia, Autosomal Dominant; Familial hypercholesterolemia 3. Identifiers: MedGen C1863551, MONDO:0011369, OMIM 603776.

Allele frequency attached by ClinVar (database versions not stated): gnomAD exomes below 0.00001; ExAC 0.00004.

Submission:

All of Us Research Program, National Institutes of Health
Classification: Uncertain significance for Hypercholesterolemia, autosomal dominant, 3. Last evaluated: 2023-05-08. Review status: criteria provided, single submitter. Criteria: ACMG Guidelines, 2015. Collection method: clinical testing. Allele origin: germline. Inheritance: Autosomal dominant inheritance. Observed: 1 variant allele, 1 heterozygote.
Comment: This study involves interpretation of variants in research participants for the purpose of population health screening. Participant phenotype was not available at the time of variant classification. Additional details can be found in publication PMID: 35346344, PMCID: PMC8962531

NM_174936.4(PCSK9):c.202del (p.Ala68fs)

Gene: PCSK9 (proprotein convertase subtilisin/kexin type 9; plus strand). Cytogenetic location: 1p32.3.
Variant type: Deletion.
Coding change: c.202del on transcript NM_174936.4 (MANE Select); coding-DNA position 202, one base deleted (G; older notation c.202delG).
Protein change: p.Ala68fs; shifts the reading frame from alanine 68.
Molecular consequence: frameshift variant. On other transcripts: 5 prime UTR variant (1), non-coding transcript variant (8).
Genome position (GRCh38, 1-based): chr1:55,040,039, G deleted. VCF-style (leftmost placement, unchanged base first): chr1-55040038-CG-C. GRCh37 (hg19) VCF-style: chr1-55505711-CG-C.
Other names: c.202del, p.Ala68fs (NM_001407240.1, NM_001407241.1, NM_001407242.1 and 4 more transcripts); c.-533del (NM_001407246.1); short protein forms A68fs.
Identifiers: ClinVar variation 3070936 (VCV003070936.1), dbSNP rs768321924, ClinGen allele CA040380.